The following is an entry in ClinVar:

ClinVar aggregate classification (germline): Uncertain significance (1 of 4 stars; one submission).

Allele frequency attached by ClinVar (database versions not stated): TOPMed 0.00001.
gnomAD v4.1: 1 of 1,609,416 alleles (0.000062%); no homozygotes.

Submission:

Ambry Genetics
Classification: Uncertain significance. Last evaluated: 2023-07-15. Review status: criteria provided, single submitter. Criteria: Ambry Variant Classification Scheme 2023. Collection method: clinical testing. Allele origin: germline.
Comment: The p.A930S variant (also known as c.2788G>T), located in coding exon 25 of the PRKDC gene, results from a G to T substitution at nucleotide position 2788. The alanine at codon 930 is replaced by serine, an amino acid with similar properties. This amino acid position is conserved. In addition, the in silico prediction for this alteration is inconclusive. Since supporting evidence is limited at this time, the clinical significance of this alteration remains unclear.

NM_006904.7(PRKDC):c.2788G>T (p.Ala930Ser)

Gene: PRKDC (protein kinase, DNA-activated, catalytic subunit; minus strand). Cytogenetic location: 8q11.21.
Variant type: single nucleotide variant.
Coding change: c.2788G>T on transcript NM_006904.7 (MANE Select); coding-DNA position 2788, G replaced by T.
Protein change: p.Ala930Ser; replaces alanine 930 with serine.
Molecular consequence: missense variant.
Genome position (GRCh38, 1-based): chr8:47,912,556, C>A on the plus strand (G>T on the coding strand, the complement: PRKDC is on the minus strand). VCF-style: chr8-47912556-C-A. GRCh37 (hg19) VCF-style: chr8-48825116-C-A.
Other names: c.2788G>T, p.Ala930Ser (NM_001081640.2); short protein forms A930S.
Identifiers: ClinVar variation 2624569 (VCV002624569.2), dbSNP rs2089922698, ClinGen allele CA371158967.